The following is an entry in ClinVar:

NM_000157.4(GBA1):c.160G>A (p.Val54Met)

Genes: GBA1 (glucosylceramidase beta 1; minus strand), LOC106627981 (GBA recombination region; plus strand). Cytogenetic location: 1q22.
Variant type: single nucleotide variant.
Coding change: c.160G>A on transcript NM_000157.4 (MANE Select); coding-DNA position 160, G replaced by A.
Protein change: p.Val54Met; replaces valine 54 with methionine.
Molecular consequence: missense variant. On other transcripts: 5 prime UTR variant (1).
Genome position (GRCh38, 1-based): chr1:155,240,033, C>T on the plus strand (G>A on the coding strand, the complement: GBA1 is on the minus strand). VCF-style: chr1-155240033-C-T. GRCh37 (hg19) VCF-style: chr1-155209824-C-T.
Other names: c.160G>A, p.Val54Met (NM_001005741.3, NM_001005742.3, NM_001171812.2); c.-102G>A (NM_001171811.2); c.160G>A (NM_000157.3); short protein forms V54M.
Identifiers: ClinVar variation 3383384 (VCV003383384.2).
Genomic context (GRCh38, chr1:155,240,033, plus strand): 5'-CAAGGGCAGGAAAGGTCGGGGGGTCAAAGGAGTCACAGTATGTGGCATTGCAGACACACA[C>T]CACCGAGCTGTAGCCGAAGCTTTTAGGGATGCAGGGGCGGGCACCTGGGAGGGAGGGAGT-3'
Protein context (NP_000148.2, residues 44-64): IPKSFGYSSV[Val54Met]CVCNATYCDS

ClinVar aggregate classification (germline): Pathogenic/Likely pathogenic. Review status: criteria provided, multiple submitters, no conflicts (2 of 4 stars). 2 submissions from 2 submitters: Pathogenic (1); Likely pathogenic (1). Last evaluated 2025-10-21.

Conditions:
Gaucher disease. Also called: Acute cerebral Gaucher disease; Cerebroside lipidosis syndrome; Gaucher splenomegaly; Sphingolipidosis 1; Glucocerebrosidosis; Glucosylceramidase deficiency. Identifiers: Orphanet 355, MedGen C0017205, MONDO:0018150.
Gaucher disease type I (GD1). Also called: GD 1; ACID BETA-GLUCOSIDASE DEFICIENCY; GAUCHER DISEASE, NONCEREBRAL JUVENILE; GBA DEFICIENCY; GD I; GLUCOCEREBROSIDASE DEFICIENCY. Identifiers: Orphanet 355, Orphanet 77259, MedGen C1961835, MONDO:0009265, OMIM 230800.

gnomAD v4.1: 1 of 1,614,006 alleles (0.000062%); highest among the groups gnomAD compares: Non-Finnish European, 0.000085%; no homozygotes.

Submissions (2):

Natera, Inc.
Classification: Likely pathogenic for Gaucher disease. Last evaluated: 2025-10-21. Review status: criteria provided, single submitter. Criteria: Natera Variant Classification Schema (03/2026). Collection method: clinical testing. Allele origin: germline.
Comment: The c.160G>A variant in GBA1 is a missense variant predicted to cause substitution of valine to methionine at amino acid 54. This variant is rare in the general population with a frequency below the threshold expected for the associated phenotype(s). This variant has been observed in one or more individuals affected with the associated recessive disease, as either homozygous or compound heterozygous with a second variant (PMID: 33301762, 11783951). Additionally, this variant has been observed to segregate in affected family members (PMID: 14757438). Functional studies show that this variant may disrupt protein function (PMID: 14757438). Computational prediction algorithms indicate this variant is likely to affect gene or protein function. Given the available evidence, this variant is classified as Likely Pathogenic.

Genetics Department, Catlab
Classification: Pathogenic for Gaucher disease type I. Last evaluated: 2024-05-24. Review status: criteria provided, single submitter. Criteria: ACMG Guidelines, 2015. Collection method: clinical testing. Allele origin: germline. Affected: yes. Observed: 1 variant allele.
Comment: The c.160G>A variant in the GBA gene has been previously detected in multiple patients from at least 5 independent families with Gaucher disease in homozygous or compound heterozygous state (PMID: 11783951, 14757438, 22429443, 33301762) (PM3_strong) and functional studies have shown that the variant impairs the activity (PMID: 14757438, 33301762) (PS3). Additionally, the variant has an extremely low presence in gnomAD 4.1 (AF= 6.196e-7) (PM2). With all the available evidence, the variant is classified as pathogenic.

Literature cited by the submitters: PubMed 33301762 (cited by Natera, Inc. and Genetics Department, Catlab); PubMed 11783951 (cited by Natera, Inc. and Genetics Department, Catlab); PubMed 14757438 (cited by Natera, Inc. and Genetics Department, Catlab); PubMed 22429443 (cited by Genetics Department, Catlab).